The following is an entry in ClinVar:

ClinVar aggregate classification (germline): Uncertain significance. Review status: criteria provided, multiple submitters, no conflicts (2 of 4 stars). 4 submissions from 4 submitters: Uncertain significance (4). Last evaluated 2024-12-31.

Conditions:
Inborn genetic diseases. Identifiers: MedGen C0950123, MeSH D030342.

Allele frequency attached by ClinVar (database versions not stated): gnomAD 0.00001; TOPMed 0.00002; ExAC 0.00001.
gnomAD v4.1: 4 of 1,614,052 alleles (0.00025%); highest among the groups gnomAD compares: African/African-American, 0.0053%; no homozygotes.

Submissions (4):

Ambry Genetics
Classification: Uncertain significance for Inborn genetic diseases. Last evaluated: 2024-12-31. Review status: criteria provided, single submitter. Criteria: Ambry Variant Classification Scheme 2023. Collection method: clinical testing. Allele origin: germline.

Labcorp Genetics (formerly Invitae), Labcorp
Classification: Uncertain significance. Last evaluated: 2024-10-09. Review status: criteria provided, single submitter. Criteria: Invitae Variant Classification Sherloc (09022015). Collection method: clinical testing. Allele origin: germline.
Comment: This sequence change replaces glycine, which is neutral and non-polar, with alanine, which is neutral and non-polar, at codon 1573 of the COL4A1 protein (p.Gly1573Ala). This variant is present in population databases (rs774341334, gnomAD 0.007%). This variant has not been reported in the literature in individuals affected with COL4A1-related conditions. ClinVar contains an entry for this variant (Variation ID: 2440304). Invitae Evidence Modeling of protein sequence and biophysical properties (such as structural, functional, and spatial information, amino acid conservation, physicochemical variation, residue mobility, and thermodynamic stability) indicates that this missense variant is not expected to disrupt COL4A1 protein function with a negative predictive value of 95%. In summary, the available evidence is currently insufficient to determine the role of this variant in disease. Therefore, it has been classified as a Variant of Uncertain Significance.

GeneDx
Classification: Uncertain significance. Last evaluated: 2023-08-07. Review status: criteria provided, single submitter. Criteria: GeneDx Variant Classification Process June 2021. Collection method: clinical testing. Allele origin: germline. Affected: yes.
Comment: Not observed at significant frequency in large population cohorts (gnomAD); In silico analysis supports that this missense variant has a deleterious effect on protein structure/function; Has not been previously published as pathogenic or benign to our knowledge

Revvity Omics, Revvity
Classification: Uncertain significance. Last evaluated: 2022-06-07. Review status: criteria provided, single submitter. Criteria: ACMG Guidelines, 2015. Collection method: clinical testing. Allele origin: germline.

NM_001845.6(COL4A1):c.4718G>C (p.Gly1573Ala)

Gene: COL4A1 (collagen type IV alpha 1 chain; minus strand). Cytogenetic location: 13q34.
Variant type: single nucleotide variant.
Coding change: c.4718G>C on transcript NM_001845.6 (MANE Select); coding-DNA position 4718, G replaced by C.
Protein change: p.Gly1573Ala; replaces glycine 1573 with alanine.
Molecular consequence: missense variant.
Genome position (GRCh38, 1-based): chr13:110,155,320, C>G on the plus strand (G>C on the coding strand, the complement: COL4A1 is on the minus strand). VCF-style: chr13-110155320-C-G. GRCh37 (hg19) VCF-style: chr13-110807667-C-G.
Other names: c.4718G>C (NM_001845.4); short protein forms G1573A.
Identifiers: ClinVar variation 2440304 (VCV002440304.8), dbSNP rs774341334, ClinGen allele CA7046837.